The following is an entry in ClinVar:

NM_007194.4(CHEK2):c.1374A>C (p.Lys458Asn)

Gene: CHEK2 (checkpoint kinase 2; minus strand). Cytogenetic location: 22q12.1.
Variant type: single nucleotide variant.
Coding change: c.1374A>C on transcript NM_007194.4 (MANE Select); coding-DNA position 1374, A replaced by C.
Protein change: p.Lys458Asn; replaces lysine 458 with asparagine.
Molecular consequence: missense variant.
Genome position (GRCh38, 1-based): chr22:28,695,128, T>G on the plus strand (A>C on the coding strand, the complement: CHEK2 is on the minus strand). VCF-style: chr22-28695128-T-G. GRCh37 (hg19) VCF-style: chr22-29091116-T-G.
Other names: c.1503A>C, p.Lys501Asn (NM_001005735.3); c.711A>C, p.Lys237Asn (NM_001257387.3); c.1173A>C, p.Lys391Asn (NM_001349956.3); c.1287A>C, p.Lys429Asn (NM_145862.3); short protein forms K458N, K429N, K501N, K237N, K391N.
Identifiers: ClinVar variation 479578 (VCV000479578.9), dbSNP rs776093527, ClinGen allele CA411095336.
Genomic context (GRCh38, chr22:28,695,128, plus strand): 5'-CACCACAGCACATACACATTTTAGCATACCACAAATTCTTAACCCTTTCATATTCATACC[T>G]TTCTCTGAGACTTCTGCCCAGACTTCAGGAATGAAGTTGTATTTTCCACTGGTGATCTGA-3'
Protein context (NP_009125.1, residues 448-468): IPEVWAEVSE[Lys458Asn]ALDLVKKLLV

ClinVar aggregate classification (germline): Uncertain significance. Review status: criteria provided, multiple submitters, no conflicts (2 of 4 stars). 3 submissions from 3 submitters: Uncertain significance (3). Last evaluated 2024-07-08.

Conditions:
Familial cancer of breast. Also called: BREAST CANCER, FAMILIAL; Hereditary breast cancer; hereditary breast carcinoma. Identifiers: Orphanet 227535, MedGen C0346153, MONDO:0016419, OMIM 114480. Disease mechanism: loss of function.
Hereditary cancer-predisposing syndrome. Also called: Hereditary Cancer Syndrome; Neoplastic Syndromes, Hereditary; Tumor predisposition; Hereditary neoplastic syndrome. Identifiers: Orphanet 140162, MedGen C0027672, MeSH D009386, MONDO:0015356.

Submissions (3):

Labcorp Genetics (formerly Invitae), Labcorp
Classification: Uncertain significance for Familial cancer of breast. Last evaluated: 2024-07-08. Review status: criteria provided, single submitter. Criteria: Invitae Variant Classification Sherloc (09022015). Collection method: clinical testing. Allele origin: germline.
Comment: This sequence change replaces lysine, which is basic and polar, with asparagine, which is neutral and polar, at codon 458 of the CHEK2 protein (p.Lys458Asn). This variant is not present in population databases (gnomAD no frequency). This variant has not been reported in the literature in individuals affected with CHEK2-related conditions. ClinVar contains an entry for this variant (Variation ID: 479578). Algorithms developed to predict the effect of missense changes on protein structure and function output the following: SIFT: "Not Available"; PolyPhen-2: "Benign"; Align-GVGD: "Not Available". The asparagine amino acid residue is found in multiple mammalian species, which suggests that this missense change does not adversely affect protein function. In summary, the available evidence is currently insufficient to determine the role of this variant in disease. Therefore, it has been classified as a Variant of Uncertain Significance.

GeneDx
Classification: Uncertain significance. Last evaluated: 2024-04-01. Review status: criteria provided, single submitter. Criteria: GeneDx Variant Classification Process June 2021. Collection method: clinical testing. Allele origin: germline. Affected: yes.
Comment: Not observed at significant frequency in large population cohorts (gnomAD); In silico analysis supports that this missense variant does not alter protein structure/function; Has not been previously published as pathogenic or benign to our knowledge; This variant is associated with the following publications: (PMID: 22419737, 19782031)

Ambry Genetics
Classification: Uncertain significance for Hereditary cancer-predisposing syndrome. Last evaluated: 2024-01-03. Review status: criteria provided, single submitter. Criteria: Ambry Variant Classification Scheme 2023. Collection method: clinical testing. Allele origin: germline.
Comment: The p.K458N variant (also known as c.1374A>C), located in coding exon 11 of the CHEK2 gene, results from an A to C substitution at nucleotide position 1374. The lysine at codon 458 is replaced by asparagine, an amino acid with similar properties. This amino acid position is not well conserved in available vertebrate species. In addition, this alteration is predicted to be tolerated by in silico analysis. Since supporting evidence is limited at this time, the clinical significance of this alteration remains unclear.